The following is an entry in ClinVar:

ClinVar aggregate classification (germline): Pathogenic (1 of 4 stars; one submission).

Conditions:
Neonatal-onset encephalopathy with rigidity and seizures. Also called: Lethal neonatal spasticity-epileptic encephalopathy syndrome. Identifiers: Orphanet 435845, MedGen C3281029, MONDO:0013784, OMIM 614498.

Submission:

Labcorp Genetics (formerly Invitae), Labcorp
Classification: Pathogenic for Neonatal-onset encephalopathy with rigidity and seizures. Last evaluated: 2021-02-22. Review status: criteria provided, single submitter. Criteria: Invitae Variant Classification Sherloc (09022015). Collection method: clinical testing. Allele origin: germline.
Comment: This sequence change creates a premature translational stop signal (p.His307Profs*6) in the BRAT1 gene. It is expected to result in an absent or disrupted protein product. Loss-of-function variants in BRAT1 are known to be pathogenic (PMID: 22279524, 25500575). This variant is not present in population databases (ExAC no frequency). This variant has not been reported in the literature in individuals with BRAT1-related conditions. For these reasons, this variant has been classified as Pathogenic.

Literature cited by the submitters: PubMed 22279524; PubMed 25500575.

NM_152743.4(BRAT1):c.920del (p.His307fs)

Gene: BRAT1 (BRCA1 associated ATM activator 1; minus strand). Cytogenetic location: 7p22.3.
Variant type: Deletion.
Coding change: c.920del on transcript NM_152743.4 (MANE Select); coding-DNA position 920, one base deleted (A; older notation c.920delA).
Protein change: p.His307fs; shifts the reading frame from histidine 307.
Molecular consequence: frameshift variant. On other transcripts: non-coding transcript variant (1).
Genome position (GRCh38, 1-based): chr7:2,543,207, T deleted on the plus strand (A on the coding strand, the reverse complement: BRAT1 is on the minus strand). VCF-style (leftmost placement, unchanged base first): chr7-2543206-GT-G. GRCh37 (hg19) VCF-style: chr7-2582840-GT-G.
Other names: c.920del, p.His307fs (NM_001350626.2); c.395del, p.His132fs (NM_001350627.2); short protein forms H132fs, H307fs.
Identifiers: ClinVar variation 1458549 (VCV001458549.6), dbSNP rs2128395588, ClinGen allele CA2573142004.
Genomic context (GRCh38, chr7:2,543,206, plus strand): 5'-CCCTGCCTGCCCCAGCTCCCAGCACCCGCCTCGGAATGAAATGCACCCCAGACCATACCA[GT>G]GCTCGAGCTTCAGGATCCCCAAAGCCAGGGGTCCCATGTGGGTGGGACCCAGGCAGCTCA-3'